The following is an entry in ClinVar:

ClinVar aggregate classification (germline): Pathogenic (1 of 4 stars; one submission).

Conditions:
Cerebrooculofacioskeletal syndrome 3 (COFS3). Identifiers: MedGen C1851443, MONDO:0014696, OMIM 616570.

Submission:

Daryl Scott Lab, Baylor College of Medicine
Classification: Pathogenic for Cerebrooculofacioskeletal syndrome 3. Last evaluated: 2025-08-25. Review status: criteria provided, single submitter. Criteria: ACMG Guidelines, 2015. Collection method: clinical testing. Allele origin: unknown. Affected: yes. Observed: 1 compound heterozygote.
Comment: PVS1, PM2, PM3

NM_000123.4(ERCC5):c.2739del (p.Lys913_Val914insTer)

Genes: BIVM-ERCC5 (BIVM-ERCC5 readthrough; plus strand), ERCC5 (ERCC excision repair 5, endonuclease; plus strand). Cytogenetic location: 13q33.1.
Variant type: Deletion.
Coding change: c.2739del on transcript NM_000123.4 (MANE Select); coding-DNA position 2739, one base deleted (A; older notation c.2739delA).
Protein change: p.Lys913_Val914insTer.
Molecular consequence: frameshift variant.
Genome position (GRCh38, 1-based): chr13:102,872,258, A deleted; the last of 3 consecutive A bases (chr13:102,872,256-102,872,258); deleting any one gives the same sequence. VCF-style (leftmost placement, unchanged base first): chr13-102872255-CA-C. GRCh37 (hg19) VCF-style: chr13-103524605-CA-C.
Other names: c.4101del, p.Lys1367_Val1368insTer (NM_001204425.2).
Identifiers: ClinVar variation 4533354 (VCV004533354.1).